The following is an entry in ClinVar:

ClinVar aggregate classification (germline): Pathogenic (1 of 4 stars; one submission).

gnomAD v4.1: 36 of 1,500,474 alleles (0.0024%); highest among the groups gnomAD compares: Non-Finnish European, 0.0031%; no homozygotes.

Submission:

Labcorp Genetics (formerly Invitae), Labcorp
Classification: Pathogenic. Last evaluated: 2024-02-17. Review status: criteria provided, single submitter. Criteria: Invitae Variant Classification Sherloc (09022015). Collection method: clinical testing. Allele origin: germline.
Comment: This sequence change falls in intron 1 of the AMH gene. It does not directly change the encoded amino acid sequence of the AMH protein. It affects a nucleotide within the consensus splice site. This variant is not present in population databases (gnomAD no frequency). This variant has been observed in individual(s) with persistent Mullerian duct syndrome (PMID: 8162013). This variant is also known as A+3 in the first intron; A>G at 425 impacting the donor splice site. Variants that disrupt the consensus splice site are a relatively common cause of aberrant splicing (PMID: 17576681, 9536098). Algorithms developed to predict the effect of sequence changes on RNA splicing suggest that this variant may disrupt the consensus splice site. This variant disrupts the c.412+3 nucleotide in the AMH gene. Other variant(s) that disrupt this nucleotide have been determined to be pathogenic (PMID: 28528332). This suggests that this nucleotide is clinically significant, and that variants that disrupt this position are likely to be disease-causing. For these reasons, this variant has been classified as Pathogenic.

Literature cited by the submitters: PubMed 8162013; PubMed 17576681; PubMed 9536098; PubMed 28528332.

NM_000479.5(AMH):c.412+3A>G

Gene: AMH (anti-Mullerian hormone; plus strand). Cytogenetic location: 19p13.3.
Variant type: single nucleotide variant.
Coding change: c.412+3A>G on transcript NM_000479.5 (MANE Select); 3 bases into the intron after coding-DNA position 412, A replaced by G.
Molecular consequence: intron variant.
Genome position (GRCh38, 1-based): chr19:2,249,747, A>G. VCF-style: chr19-2249747-A-G. GRCh37 (hg19) VCF-style: chr19-2249746-A-G.
Identifiers: ClinVar variation 3723227 (VCV003723227.2).